The following is an entry in ClinVar:

ClinVar aggregate classification (germline): Uncertain significance (1 of 4 stars; one submission).

Conditions:
Congenital myotonia, autosomal dominant form (THD). Also called: THOMSEN DISEASE; Myotonia congenita autosomal dominant. Identifiers: Orphanet 614, MedGen C2936781, MONDO:0008055, OMIM 160800.
Congenital myotonia, autosomal recessive form. Also called: BECKER DISEASE; Becker Generalized Myotonia; myotonia congenita, autosomal recessive. Identifiers: Orphanet 614, MedGen C0751360, MONDO:0009715, OMIM 255700.

Allele frequency attached by ClinVar (database versions not stated): gnomAD exomes below 0.00001.

Submission:

Labcorp Genetics (formerly Invitae), Labcorp
Classification: Uncertain significance for Congenital myotonia, autosomal recessive form; Congenital myotonia, autosomal dominant form. Last evaluated: 2022-12-05. Review status: criteria provided, single submitter. Criteria: Invitae Variant Classification Sherloc (09022015). Collection method: clinical testing. Allele origin: germline.
Comment: This sequence change replaces proline, which is neutral and non-polar, with serine, which is neutral and polar, at codon 79 of the CLCN1 protein (p.Pro79Ser). In summary, the available evidence is currently insufficient to determine the role of this variant in disease. Therefore, it has been classified as a Variant of Uncertain Significance. Advanced modeling of protein sequence and biophysical properties (such as structural, functional, and spatial information, amino acid conservation, physicochemical variation, residue mobility, and thermodynamic stability) performed at Invitae indicates that this missense variant is not expected to disrupt CLCN1 protein function. This variant has not been reported in the literature in individuals affected with CLCN1-related conditions. This variant is not present in population databases (gnomAD no frequency).

NM_000083.3(CLCN1):c.235C>T (p.Pro79Ser)

Gene: CLCN1 (chloride voltage-gated channel 1; plus strand). Cytogenetic location: 7q34.
Variant type: single nucleotide variant.
Coding change: c.235C>T on transcript NM_000083.3 (MANE Select); coding-DNA position 235, C replaced by T.
Protein change: p.Pro79Ser; replaces proline 79 with serine.
Molecular consequence: missense variant. On other transcripts: non-coding transcript variant (1).
Genome position (GRCh38, 1-based): chr7:143,319,809, C>T. VCF-style: chr7-143319809-C-T. GRCh37 (hg19) VCF-style: chr7-143016902-C-T.
Other names: short protein forms P79S.
Identifiers: ClinVar variation 2940308 (VCV002940308.3), dbSNP rs2487025942, ClinGen allele CA369680663.
Genomic context (GRCh38, chr7:143,319,809, plus strand): 5'-GTCCAGATTTATGGCCATCACAAAGAACAATTCTCAGACAGGGAGCAGGACATAGGGATG[C>T]CCAAGAAGACAGGCTCCAGTTCTACCGTGGACAGCAAGGATGAGGATCACTATTCTAAAT-3'
Protein context (NP_000074.3, residues 69-89): FSDREQDIGM[Pro79Ser]KKTGSSSTVD